The following is an entry in ClinVar:

ClinVar aggregate classification (germline): Uncertain significance (1 of 4 stars; one submission).

Conditions:
Epidermolysis bullosa simplex with nail dystrophy (EBS5D). Identifiers: MedGen C4225309, MONDO:0014661, OMIM 616487.
Epidermolysis bullosa simplex, Ogna type (EBS5A). Also called: EPIDERMOLYSIS BULLOSA SIMPLEX 5A, OGNA TYPE; Pidermolysis bullosa simplex 5A, Ogna type. Identifiers: Orphanet 79401, MedGen C0432317, MONDO:0007555, OMIM 131950.
Epidermolysis bullosa simplex 5C, with pyloric atresia (EBS5C). Also called: PLEC1-Related Epidermolysis Bullosa with Pyloric Atresia; PLEC-Related Epidermolysis Bullosa with Pyloric Atresia; Epidermolysis bullosa simplex with pyloric atresia. Identifiers: Orphanet 158684, MedGen C2677349, MONDO:0012807, OMIM 612138.
Autosomal recessive limb-girdle muscular dystrophy type 2Q (LGMDR17). Also called: MUSCULAR DYSTROPHY, LIMB-GIRDLE, AUTOSOMAL RECESSIVE 17. Identifiers: Orphanet 254361, MedGen C3150989, MONDO:0013390, OMIM 613723.
Epidermolysis bullosa simplex 5B, with muscular dystrophy (EBS5B). Also called: EPIDERMOLYSIS BULLOSA SIMPLEX AND LIMB-GIRDLE MUSCULAR DYSTROPHY; Epidermolysis bullosa simplex with muscular dystrophy. Identifiers: Orphanet 257, MedGen C2931072, MONDO:0009181, OMIM 226670.

Allele frequency attached by ClinVar (database versions not stated): gnomAD exomes below 0.00001; TOPMed below 0.00001; ExAC 0.00001.
gnomAD v4.1: 4 of 1,603,478 alleles (0.00025%); highest among the groups gnomAD compares: Non-Finnish European, 0.00034%; no homozygotes.

Submission:

Labcorp Genetics (formerly Invitae), Labcorp
Classification: Uncertain significance for Autosomal recessive limb-girdle muscular dystrophy type 2Q; Epidermolysis bullosa simplex, Ogna type; Epidermolysis bullosa simplex with nail dystrophy; Epidermolysis bullosa simplex 5C, with pyloric atresia; Epidermolysis bullosa simplex 5B, with muscular dystrophy. Last evaluated: 2024-12-10. Review status: criteria provided, single submitter. Criteria: Invitae Variant Classification Sherloc (09022015). Collection method: clinical testing. Allele origin: germline.
Comment: This sequence change replaces glutamine, which is neutral and polar, with arginine, which is basic and polar, at codon 2513 of the PLEC protein (p.Gln2513Arg). This variant is present in population databases (rs782783768, gnomAD 0.0009%). This variant has not been reported in the literature in individuals affected with PLEC-related conditions. ClinVar contains an entry for this variant (Variation ID: 2921333). Invitae Evidence Modeling of protein sequence and biophysical properties (such as structural, functional, and spatial information, amino acid conservation, physicochemical variation, residue mobility, and thermodynamic stability) indicates that this missense variant is not expected to disrupt PLEC protein function with a negative predictive value of 80%. In summary, the available evidence is currently insufficient to determine the role of this variant in disease. Therefore, it has been classified as a Variant of Uncertain Significance.

NM_201384.3(PLEC):c.7457A>G (p.Gln2486Arg)

Gene: PLEC (plectin; minus strand). Cytogenetic location: 8q24.3.
Variant type: single nucleotide variant.
Coding change: c.7457A>G on transcript NM_201384.3 (MANE Select); coding-DNA position 7457, A replaced by G.
Protein change: p.Gln2486Arg; replaces glutamine 2486 with arginine.
Molecular consequence: missense variant.
Genome position (GRCh38, 1-based): chr8:143,922,364, T>C on the plus strand (A>G on the coding strand, the complement: PLEC is on the minus strand). VCF-style: chr8-143922364-T-C. GRCh37 (hg19) VCF-style: chr8-144996532-T-C.
Other names: c.7538A>G, p.Gln2513Arg (NM_000445.5); c.4157A>G, p.Gln1386Arg (NM_001410941.1); c.7415A>G, p.Gln2472Arg (NM_201378.4); c.7391A>G, p.Gln2464Arg (NM_201379.3); c.7868A>G, p.Gln2623Arg (NM_201380.4); c.7361A>G, p.Gln2454Arg (NM_201381.3); c.7457A>G, p.Gln2486Arg (NM_201382.4); c.7469A>G, p.Gln2490Arg (NM_201383.3); short protein forms Q2472R, Q2623R, Q1386R, Q2486R, Q2490R, Q2513R, Q2454R, Q2464R.
Identifiers: ClinVar variation 2921333 (VCV002921333.3), dbSNP rs782783768, ClinGen allele CA4925612.
Genomic context (GRCh38, chr8:143,922,364, plus strand): 5'-TCCCGCTGTAGCAGGCTGTCCTTTTCAGAGAGGAAGCTTTGCTGCAGGGCCTGCGTCTCC[T>C]GCAGCAGCTGCTCCTGCTGCACCGTCTGCATCTGCAGAAGAAGAGGGTGTGATCAGGGAC-3'
Protein context (NP_958786.1, residues 2476-2496): MQTVQQEQLL[Gln2486Arg]ETQALQQSFL